The following is an entry in ClinVar:

NM_002185.5(IL7R):c.1020_1043del (p.Gly341_Asn348del)

Gene: IL7R (interleukin 7 receptor; plus strand). Cytogenetic location: 5p13.2.
Variant type: Deletion.
Coding change: c.1020_1043del on transcript NM_002185.5 (MANE Select); coding-DNA positions 1020 to 1043, 24 bases deleted (TGGAGGGGATGTGCAGAGCCCCAA).
Protein change: p.Gly341_Asn348del.
Molecular consequence: inframe deletion. On other transcripts: non-coding transcript variant (1).
Genome position (GRCh38, 1-based): chr5:35,876,126-35,876,149, TGGAGGGGATGTGCAGAGCCCCAA deleted. VCF-style (leftmost placement, unchanged base first): chr5-35876125-TTGGAGGGGATGTGCAGAGCCCCAA-T. GRCh37 (hg19) VCF-style: chr5-35876227-TTGGAGGGGATGTGCAGAGCCCCAA-T.
Identifiers: ClinVar variation 1460705 (VCV001460705.6), dbSNP rs2149905482, ClinGen allele CA2573139624.

ClinVar aggregate classification (germline): Uncertain significance (1 of 4 stars; one submission).

Conditions:
Immunodeficiency 104. Also called: Severe combined immunodeficiency, autosomal recessive, T cell-negative, B cell-positive, NK cell-positive; SCID, AUTOSOMAL RECESSIVE, T CELL-NEGATIVE, B CELL-POSITIVE, NK CELL-POSITIVE; IMMUNODEFICIENCY 104, SEVERE COMBINED; Severe Combined Immune Deficiency, Autosomal Recessive, TCell -Negative, B Cell-Positive, NK Cell-Positive, IL7R-Related. Identifiers: MedGen C5676890, MONDO:0012163, OMIM 608971.

Submission:

Labcorp Genetics (formerly Invitae), Labcorp
Classification: Uncertain significance for Immunodeficiency 104. Last evaluated: 2022-08-23. Review status: criteria provided, single submitter. Criteria: Invitae Variant Classification Sherloc (09022015). Collection method: clinical testing. Allele origin: germline.
Comment: ClinVar contains an entry for this variant (Variation ID: 1460705). In summary, the available evidence is currently insufficient to determine the role of this variant in disease. Therefore, it has been classified as a Variant of Uncertain Significance. Experimental studies and prediction algorithms are not available or were not evaluated, and the functional significance of this variant is currently unknown. This variant has not been reported in the literature in individuals affected with IL7R-related conditions. This variant is not present in population databases (gnomAD no frequency). This variant, c.1020_1043del, results in the deletion of 8 amino acid(s) of the IL7R protein (p.Gly341_Asn348del), but otherwise preserves the integrity of the reading frame.